The following is an entry in ClinVar:

NM_006389.5(HYOU1):c.1691T>C (p.Val564Ala)

Gene: HYOU1 (hypoxia up-regulated 1; minus strand). Cytogenetic location: 11q23.3.
Variant type: single nucleotide variant.
Coding change: c.1691T>C on transcript NM_006389.5 (MANE Select); coding-DNA position 1691, T replaced by C.
Protein change: p.Val564Ala; replaces valine 564 with alanine.
Molecular consequence: missense variant.
Genome position (GRCh38, 1-based): chr11:119,049,812, A>G on the plus strand (T>C on the coding strand, the complement: HYOU1 is on the minus strand). VCF-style: chr11-119049812-A-G. GRCh37 (hg19) VCF-style: chr11-118920524-A-G.
Other names: c.1691T>C, p.Val564Ala (NM_001130991.3); short protein forms V564A.
Identifiers: ClinVar variation 1356996 (VCV001356996.6), dbSNP rs781918375, ClinGen allele CA229620569.
Genomic context (GRCh38, chr11:119,049,812, plus strand): 5'-ATACACACATGCATGCTCATCTTACTGGTGAGAGTAGATTCCTCTTCTGCGCTGTCCTCT[A>G]CCAGTGTCTCAAATACAGACTCCACCTGAAAACAGGTTCAAAATGAAAAAATACACAGGC-3'
Protein context (NP_006380.1, residues 554-574): DRVESVFETL[Val564Ala]EDSAEEESTL

ClinVar aggregate classification (germline): Uncertain significance (1 of 4 stars; one submission).

Allele frequency attached by ClinVar (database versions not stated): TOPMed below 0.00001; gnomAD exomes 0.00001.
gnomAD v4.1: 5 of 1,614,078 alleles (0.00031%); highest among the groups gnomAD compares: Admixed American, 0.0033%; no homozygotes.

Submission:

Labcorp Genetics (formerly Invitae), Labcorp
Classification: Uncertain significance. Last evaluated: 2025-10-21. Review status: criteria provided, single submitter. Criteria: Invitae Variant Classification Sherloc (09022015). Collection method: clinical testing. Allele origin: germline.
Comment: This sequence change replaces valine, which is neutral and non-polar, with alanine, which is neutral and non-polar, at codon 564 of the HYOU1 protein (p.Val564Ala). This variant is present in population databases (rs781918375, gnomAD 0.003%). This variant has not been reported in the literature in individuals affected with HYOU1-related conditions. ClinVar contains an entry for this variant (Variation ID: 1356996). An algorithm developed to predict the effect of missense changes on protein structure and function (PolyPhen-2) suggests that this variant is likely to be tolerated. In summary, the available evidence is currently insufficient to determine the role of this variant in disease. Therefore, it has been classified as a Variant of Uncertain Significance.